The following is an entry in ClinVar:

NM_013372.7(GREM1):c.101C>T (p.Pro34Leu)

Gene: GREM1 (gremlin 1, DAN family BMP antagonist; plus strand). Cytogenetic location: 15q13.3.
Variant type: single nucleotide variant.
Coding change: c.101C>T on transcript NM_013372.7 (MANE Select); coding-DNA position 101, C replaced by T.
Protein change: p.Pro34Leu; replaces proline 34 with leucine.
Molecular consequence: missense variant. On other transcripts: intron variant (1).
Genome position (GRCh38, 1-based): chr15:32,730,791, C>T. VCF-style: chr15-32730791-C-T. GRCh37 (hg19) VCF-style: chr15-33022992-C-T.
Other names: c.101C>T, p.Pro34Leu (NM_001191323.2, NM_001368719.1); c.27+74C>T (NM_001191322.2); short protein forms P34L.
Identifiers: ClinVar variation 3282658 (VCV003282658.1).

ClinVar aggregate classification (germline): Uncertain significance (1 of 4 stars; one submission).

Conditions:
Hereditary cancer-predisposing syndrome. Also called: Tumor predisposition; Hereditary Cancer Syndrome; Hereditary neoplastic syndrome; Neoplastic Syndromes, Hereditary. Identifiers: Orphanet 140162, MedGen C0027672, MeSH D009386, MONDO:0015356.

Submission:

Ambry Genetics
Classification: Uncertain significance for Hereditary cancer-predisposing syndrome. Last evaluated: 2024-03-22. Review status: criteria provided, single submitter. Criteria: Ambry Variant Classification Scheme 2023. Collection method: clinical testing. Allele origin: germline.
Comment: The p.P34L variant (also known as c.101C>T), located in coding exon 1 of the GREM1 gene, results from a C to T substitution at nucleotide position 101. The proline at codon 34 is replaced by leucine, an amino acid with similar properties. This amino acid position is conserved. In addition, this alteration is predicted to be tolerated by in silico analysis. Based on the available evidence, the clinical significance of this alteration remains unclear.